The following is an entry in ClinVar:

ClinVar aggregate classification (germline): Uncertain significance (1 of 4 stars; one submission).

Conditions:
AARS1-related disorder. Also called: AARS1-related condition.

gnomAD v4.1: 1 of 1,614,188 alleles (0.000062%); highest among the groups gnomAD compares: African/African-American, 0.0013%; no homozygotes.

Submission:

PreventionGenetics, part of Exact Sciences
Classification: Uncertain significance for AARS1-related condition. Last evaluated: 2026-08-06. Review status: criteria provided, single submitter. Criteria: ACMG Guidelines, 2015. Collection method: clinical testing. Allele origin: germline.
Comment: The AARS1 c.1015C>G variant is predicted to result in the amino acid substitution p.Leu339Val. To our knowledge, this variant has not been reported in the literature or in a large population database (gnomAD), indicating this variant is rare. At this time, the clinical significance of this variant is uncertain due to the absence of conclusive functional and genetic evidence.

NM_001605.3(AARS1):c.1015C>G (p.Leu339Val)

Gene: AARS1 (alanyl-tRNA synthetase 1; minus strand). Cytogenetic location: 16q22.1.
Variant type: single nucleotide variant.
Coding change: c.1015C>G on transcript NM_001605.3 (MANE Select); coding-DNA position 1015, C replaced by G.
Protein change: p.Leu339Val; replaces leucine 339 with valine.
Molecular consequence: missense variant.
Genome position (GRCh38, 1-based): chr16:70,268,327, G>C on the plus strand (C>G on the coding strand, the complement: AARS1 is on the minus strand). VCF-style: chr16-70268327-G-C. GRCh37 (hg19) VCF-style: chr16-70302230-G-C.
Other names: short protein forms L339V.
Identifiers: ClinVar variation 4979084 (VCV004979084.1).